The following is an entry in ClinVar:

ClinVar aggregate classification (germline): Uncertain significance (1 of 4 stars; one submission).

Conditions:
Hereditary cancer-predisposing syndrome. Also called: Hereditary Cancer Syndrome; Tumor predisposition; Hereditary neoplastic syndrome; Neoplastic Syndromes, Hereditary. Identifiers: Orphanet 140162, MedGen C0027672, MeSH D009386, MONDO:0015356.

Submission:

Ambry Genetics
Classification: Uncertain significance for Hereditary cancer-predisposing syndrome. Last evaluated: 2024-09-21. Review status: criteria provided, single submitter. Criteria: Ambry Variant Classification Scheme 2023. Collection method: clinical testing. Allele origin: germline.
Comment: The p.K320N variant (also known as c.960G>C), located in coding exon 8 of the NBN gene, results from a G to C substitution at nucleotide position 960. The lysine at codon 320 is replaced by asparagine, an amino acid with similar properties. This amino acid position is conserved. In addition, this alteration is predicted to be tolerated by in silico analysis. Based on the available evidence, the clinical significance of this variant remains unclear.

NM_002485.5(NBN):c.960G>C (p.Lys320Asn)

Gene: NBN (nibrin; minus strand). Cytogenetic location: 8q21.3.
Variant type: single nucleotide variant.
Coding change: c.960G>C on transcript NM_002485.5 (MANE Select); coding-DNA position 960, G replaced by C.
Protein change: p.Lys320Asn; replaces lysine 320 with asparagine.
Molecular consequence: missense variant.
Genome position (GRCh38, 1-based): chr8:89,964,444, C>G on the plus strand (G>C on the coding strand, the complement: NBN is on the minus strand). VCF-style: chr8-89964444-C-G. GRCh37 (hg19) VCF-style: chr8-90976672-C-G.
Other names: c.714G>C, p.Lys238Asn (NM_001024688.3); short protein forms K238N, K320N.
Identifiers: ClinVar variation 3403067 (VCV003403067.1).
Genomic context (GRCh38, chr8:89,964,444, plus strand): 5'-AATCAATAAAATAATGCTTCAATTACCTGTACTGGGATGGCCCTGAGGATCACAGTAATT[C>G]TTTGTAGTCATGAAAATCACCGCCAATCCAATTTCTGCTTCAGGAATAGGTCTAAGACCT-3'
Protein context (NP_002476.2, residues 310-330): IGLAVIFMTT[Lys320Asn]NYCDPQGHPS